The following is an entry in ClinVar:

NM_001042492.3(NF1):c.739G>T (p.Glu247Ter)

Gene: NF1 (neurofibromin 1; plus strand). Cytogenetic location: 17q11.2.
Variant type: single nucleotide variant.
Coding change: c.739G>T on transcript NM_001042492.3 (MANE Select); coding-DNA position 739, G replaced by T.
Protein change: p.Glu247Ter; replaces glutamic acid 247 with a stop codon.
Molecular consequence: nonsense.
Genome position (GRCh38, 1-based): chr17:31,182,516, G>T. VCF-style: chr17-31182516-G-T. GRCh37 (hg19) VCF-style: chr17-29509534-G-T.
Other names: c.739G>T, p.Glu247Ter (NM_000267.4, NM_001128147.3); short protein forms E247*.
Identifiers: ClinVar variation 1075677 (VCV001075677.7), dbSNP rs2143784954, ClinGen allele CA398990516.

ClinVar aggregate classification (germline): Pathogenic. Review status: criteria provided, multiple submitters, no conflicts (2 of 4 stars). 2 submissions from 2 submitters: Pathogenic (2). Last evaluated 2022-10-18.

Conditions:
Hereditary cancer-predisposing syndrome. Also called: Neoplastic Syndromes, Hereditary; Hereditary neoplastic syndrome; Tumor predisposition; Hereditary Cancer Syndrome. Identifiers: Orphanet 140162, MedGen C0027672, MeSH D009386, MONDO:0015356.
Cardiovascular phenotype. Identifiers: MedGen CN230736.
Neurofibromatosis, type 1 (NF1). Also called: VON RECKLINGHAUSEN DISEASE; Peripheral type neurofibromatosis; NEUROFIBROMATOSIS, TYPE I, SOMATIC; Neurofibromatosis, type I. Identifiers: Orphanet 636, MedGen C0027831, MONDO:0018975, OMIM 162200. Disease mechanism: loss of function.

Submissions (2):

Ambry Genetics
Classification: Pathogenic for Cardiovascular phenotype; Hereditary cancer-predisposing syndrome. Last evaluated: 2022-10-18. Review status: criteria provided, single submitter. Criteria: Ambry Variant Classification Scheme 2023. Collection method: clinical testing. Allele origin: germline.
Comment: The p.E247* pathogenic mutation (also known as c.739G>T), located in coding exon 8 of the NF1 gene, results from a G to T substitution at nucleotide position 739. This changes the amino acid from a glutamic acid to a stop codon within coding exon 8. This variant is considered to be rare based on population cohorts in the Genome Aggregation Database (gnomAD). This alteration is expected to result in loss of function by premature protein truncation or nonsense-mediated mRNA decay. As such, this alteration is interpreted as a disease-causing mutation.

Labcorp Genetics (formerly Invitae), Labcorp
Classification: Pathogenic for Neurofibromatosis, type 1. Last evaluated: 2022-05-27. Review status: criteria provided, single submitter. Criteria: Invitae Variant Classification Sherloc (09022015). Collection method: clinical testing. Allele origin: germline.
Comment: For these reasons, this variant has been classified as Pathogenic. ClinVar contains an entry for this variant (Variation ID: 1075677). This variant has not been reported in the literature in individuals affected with NF1-related conditions. This variant is not present in population databases (gnomAD no frequency). This sequence change creates a premature translational stop signal (p.Glu247*) in the NF1 gene. It is expected to result in an absent or disrupted protein product. Loss-of-function variants in NF1 are known to be pathogenic (PMID: 10712197, 23913538).

Literature cited by the submitters: PubMed 10712197 (cited by Labcorp Genetics (formerly Invitae), Labcorp); PubMed 23913538 (cited by Labcorp Genetics (formerly Invitae), Labcorp).